The following is an entry in ClinVar:

ClinVar aggregate classification (germline): Likely pathogenic (1 of 4 stars; one submission).

Submission:

Labcorp Genetics (formerly Invitae), Labcorp
Classification: Likely pathogenic. Last evaluated: 2021-03-25. Review status: criteria provided, single submitter. Criteria: Invitae Variant Classification Sherloc (09022015). Collection method: clinical testing. Allele origin: germline.
Comment: In summary, the currently available evidence indicates that the variant is pathogenic, but additional data are needed to prove that conclusively. Therefore, this variant has been classified as Likely Pathogenic. Algorithms developed to predict the effect of sequence changes on RNA splicing suggest that this variant may disrupt the consensus splice site, but this prediction has not been confirmed by published transcriptional studies. This variant has not been reported in the literature in individuals with CACNA1F-related conditions. This variant is not present in population databases (ExAC no frequency). This sequence change affects an acceptor splice site in intron 26 of the CACNA1F gene. It is expected to disrupt RNA splicing. Variants that disrupt the donor or acceptor splice site typically lead to a loss of protein function (PMID: 16199547), and loss-of-function variants in CACNA1F are known to be pathogenic (PMID: 9662399, 11281458, 17525176, 22194652, 24124559, 26992781).

Literature cited by the submitters: PubMed 16199547; PubMed 9662399; PubMed 11281458; PubMed 17525176; PubMed 22194652; PubMed 24124559; PubMed 26992781.

NM_001256789.3(CACNA1F):c.3090-2A>T

Gene: CACNA1F (calcium voltage-gated channel subunit alpha1 F; minus strand). Cytogenetic location: Xp11.23.
Variant type: single nucleotide variant.
Coding change: c.3090-2A>T on transcript NM_001256789.3 (MANE Select); the canonical splice acceptor site of the intron before coding-DNA position 3090, A replaced by T.
Molecular consequence: splice acceptor variant.
Genome position (GRCh38, 1-based): chrX:49,216,530, T>A on the plus strand (A>T on the coding strand, the complement: CACNA1F is on the minus strand). VCF-style: chrX-49216530-T-A. GRCh37 (hg19) VCF-style: chrX-49072990-T-A.
Other names: c.3123-2A>T (NM_005183.4); c.2928-2A>T (NM_001256790.3).
Identifiers: ClinVar variation 1494800 (VCV001494800.8), dbSNP rs2147905040, ClinGen allele CA412964172.